The following is an entry in ClinVar:

ClinVar aggregate classification (germline): Uncertain significance (1 of 4 stars; one submission).

Conditions:
Charcot-Marie-Tooth disease type 4. Also called: Charcot-Marie-Tooth disease, type IV; Charcot-Marie-Tooth, Type 4. Identifiers: Orphanet 64749, MedGen C4082197, MONDO:0018995.

Submission:

Labcorp Genetics (formerly Invitae), Labcorp
Classification: Uncertain significance for Charcot-Marie-Tooth disease type 4. Last evaluated: 2024-10-15. Review status: criteria provided, single submitter. Criteria: Invitae Variant Classification Sherloc (09022015). Collection method: clinical testing. Allele origin: germline.
Comment: This sequence change replaces valine, which is neutral and non-polar, with leucine, which is neutral and non-polar, at codon 499 of the PRX protein (p.Val499Leu). This variant is not present in population databases (gnomAD no frequency). This variant has not been reported in the literature in individuals affected with PRX-related conditions. ClinVar contains an entry for this variant (Variation ID: 2107613). An algorithm developed to predict the effect of missense changes on protein structure and function (PolyPhen-2) suggests that this variant is likely to be tolerated. In summary, the available evidence is currently insufficient to determine the role of this variant in disease. Therefore, it has been classified as a Variant of Uncertain Significance.

NM_181882.3(PRX):c.1495G>T (p.Val499Leu)

Gene: PRX (periaxin; minus strand). Cytogenetic location: 19q13.2.
Variant type: single nucleotide variant.
Coding change: c.1495G>T on transcript NM_181882.3 (MANE Select); coding-DNA position 1495, G replaced by T.
Protein change: p.Val499Leu; replaces valine 499 with leucine.
Molecular consequence: missense variant. On other transcripts: 3 prime UTR variant (1).
Genome position (GRCh38, 1-based): chr19:40,396,857, C>A on the plus strand (G>T on the coding strand, the complement: PRX is on the minus strand). VCF-style: chr19-40396857-C-A. GRCh37 (hg19) VCF-style: chr19-40902764-C-A.
Other names: c.1780G>T, p.Val594Leu (NM_001411127.1); c.*1700G>T (NM_020956.2); short protein forms V499L, V594L.
Identifiers: ClinVar variation 2107613 (VCV002107613.4), dbSNP rs2079443834, ClinGen allele CA405898279.